The following is an entry in ClinVar:

NM_000088.4(COL1A1):c.3531+2T>C

Gene: COL1A1 (collagen type I alpha 1 chain; minus strand). Cytogenetic location: 17q21.33.
Variant type: single nucleotide variant.
Coding change: c.3531+2T>C on transcript NM_000088.4 (MANE Select); the canonical splice donor site of the intron after coding-DNA position 3531, T replaced by C.
Molecular consequence: splice donor variant.
Genome position (GRCh38, 1-based): chr17:50,187,013, A>G on the plus strand (T>C on the coding strand, the complement: COL1A1 is on the minus strand). VCF-style: chr17-50187013-A-G. GRCh37 (hg19) VCF-style: chr17-48264374-A-G.
Identifiers: ClinVar variation 2138068 (VCV002138068.6), dbSNP rs2509166330, ClinGen allele CA400198461.
Genomic context (GRCh38, chr17:50,187,013, plus strand): 5'-CCGGCATCCAAGTGCTTTGGGGGCTGGAGGGCCATGAGCAGAGGGGATGAGGGGCTACAT[A>G]CAACAGGACCAGCATCACCAGTGCGACCGCGAGGACCAGGGGGCCCAATGGGGCCAGGGA-3'

ClinVar aggregate classification (germline): Pathogenic/Likely pathogenic. Review status: criteria provided, multiple submitters, no conflicts (2 of 4 stars). 2 submissions from 2 submitters: Pathogenic (1); Likely pathogenic (1). Last evaluated 2025-07-01.

Conditions:
Osteogenesis imperfecta type I (OI1). Also called: OI, TYPE I; OSTEOGENESIS IMPERFECTA TARDA; OSTEOGENESIS IMPERFECTA WITH BLUE SCLERAE; Osteogenesis imperfecta type 1; Lobstein disease; Lobstein's Disease. Identifiers: Orphanet 216796, Orphanet 666, MedGen C0023931, MONDO:0008146, OMIM 166200. Disease mechanism: loss of function.

Submissions (2):

Women's Health and Genetics/Laboratory Corporation of America, LabCorp
Classification: Likely pathogenic for Osteogenesis imperfecta type I. Last evaluated: 2025-07-01. Review status: criteria provided, single submitter. Criteria: LabCorp Variant Classification Summary - May 2015. Collection method: clinical testing. Allele origin: germline.
Comment: Variant summary: COL1A1 c.3531+2T>C is located in a canonical splice-site and is predicted to affect mRNA splicing resulting in a significantly altered protein due to either exon skipping, shortening, or inclusion of intronic material. Variants that disrupt the consensus splice site are a relatively common cause of aberrant splicing and loss of COL1A1 function. Several computational tools predict a significant impact on normal splicing: Two predict the variant abolishes a 5' splicing donor site. Two predict the variant strengthens a cryptic 3' acceptor site. However, these predictions have yet to be confirmed by functional studies. The variant was absent in 1613348 control chromosomes. c.3531+2T>C has been observed in at least two individuals affected with Osteogenesis imperfecta type I (Schleit_2015, Li_2019). These data indicate that the variant is likely to be associated with disease. To our knowledge, no experimental evidence demonstrating an impact on protein function has been reported. The following publications have been ascertained in the context of this evaluation (PMID: 30715774, 25963598). ClinVar contains an entry for this variant (Variation ID: 2138068). Based on the evidence outlined above, the variant was classified as likely pathogenic.

Labcorp Genetics (formerly Invitae), Labcorp
Classification: Pathogenic for Osteogenesis imperfecta type I. Last evaluated: 2021-12-24. Review status: criteria provided, single submitter. Criteria: Invitae Variant Classification Sherloc (09022015). Collection method: clinical testing. Allele origin: germline.
Comment: Algorithms developed to predict the effect of sequence changes on RNA splicing suggest that this variant may disrupt the consensus splice site. For these reasons, this variant has been classified as Pathogenic. Disruption of this splice site has been observed in individuals with osteogenesis imperfecta (PMID: 25963598, 27509835, 30715774). This sequence change affects a donor splice site in intron 47 of the COL1A1 gene. It is expected to disrupt RNA splicing. Variants that disrupt the donor or acceptor splice site typically lead to a loss of protein function (PMID: 16199547), and loss-of-function variants in COL1A1 are known to be pathogenic (PMID: 7942841, 9295084, 9443882). This variant is not present in population databases (gnomAD no frequency).

Literature cited by the submitters: PubMed 25963598 (cited by Women's Health and Genetics/Laboratory Corporation of America, LabCorp and Labcorp Genetics (formerly Invitae), Labcorp); PubMed 30715774 (cited by Women's Health and Genetics/Laboratory Corporation of America, LabCorp and Labcorp Genetics (formerly Invitae), Labcorp); PubMed 27509835 (cited by Labcorp Genetics (formerly Invitae), Labcorp); PubMed 16199547 (cited by Labcorp Genetics (formerly Invitae), Labcorp); PubMed 7942841 (cited by Labcorp Genetics (formerly Invitae), Labcorp); PubMed 9295084 (cited by Labcorp Genetics (formerly Invitae), Labcorp); PubMed 9443882 (cited by Labcorp Genetics (formerly Invitae), Labcorp).